The following is an entry in ClinVar:

NM_001378778.1(MPDZ):c.3897dup (p.Pro1300fs)

Gene: MPDZ (multiple PDZ domain crumbs cell polarity complex component; minus strand). Cytogenetic location: 9p23.
Variant type: Duplication.
Coding change: c.3897dup on transcript NM_001378778.1 (MANE Select); coding-DNA position 3897, one base duplicated (A; older notation c.3897dupA).
Protein change: p.Pro1300fs; shifts the reading frame from proline 1300.
Molecular consequence: frameshift variant.
Genome position (GRCh38, 1-based): chr9:13,140,093, T duplicated on the plus strand (A on the coding strand, the reverse complement: MPDZ is on the minus strand). VCF-style (leftmost placement, unchanged base first): chr9-13140092-G-GT. GRCh37 (hg19) VCF-style: chr9-13140091-G-GT.
Other names: c.3798dup, p.Pro1267fs (NM_001261406.2, NM_001261407.2, NM_001375416.1 and 3 more transcripts); c.3897dup, p.Pro1300fs (NM_001330637.2, NM_001375413.1, NM_003829.5); c.3687dup, p.Pro1230fs (NM_001375420.1, NM_001375421.1, NM_001375422.1 and 4 more transcripts); c.3489dup, p.Pro1164fs (NM_001375427.1); short protein forms P1230fs, P1267fs, P1300fs, P1164fs.
Identifiers: ClinVar variation 2297198 (VCV002297198.2), dbSNP rs1563886845, ClinGen allele CA586637414.

ClinVar aggregate classification (germline): Pathogenic (1 of 4 stars; one submission).

Conditions:
Inborn genetic diseases. Identifiers: MedGen C0950123, MeSH D030342.

Allele frequency attached by ClinVar (database versions not stated): gnomAD exomes below 0.00001.

Submission:

Ambry Genetics
Classification: Pathogenic for Inborn genetic diseases. Last evaluated: 2022-07-22. Review status: criteria provided, single submitter. Criteria: Ambry Variant Classification Scheme 2023. Collection method: clinical testing. Allele origin: germline.
Comment: The c.3897dupA (p.P1300Tfs*11) alteration, located in exon 27 (coding exon 27) of the MPDZ gene, consists of a duplication of A at position 3897, causing a translational frameshift with a predicted alternate stop codon after 11 amino acids. This alteration is expected to result in loss of function by premature protein truncation or nonsense-mediated mRNA decay. Based on the available evidence, this alteration is classified as pathogenic.